The following is an entry in ClinVar:

ClinVar aggregate classification (germline): Uncertain significance. Review status: criteria provided, multiple submitters, no conflicts (2 of 4 stars). 2 submissions from 2 submitters: Uncertain significance (2). Last evaluated 2025-10-15.

Allele frequency attached by ClinVar (database versions not stated): ExAC 0.00001; ESP Exome Variant Server 0.00008.
gnomAD v4.1: 10 of 1,613,732 alleles (0.00062%); highest among the groups gnomAD compares: Non-Finnish European, 0.00085%; no homozygotes.

Submissions (2):

Labcorp Genetics (formerly Invitae), Labcorp
Classification: Uncertain significance. Last evaluated: 2025-10-15. Review status: criteria provided, single submitter. Criteria: Invitae Variant Classification Sherloc (09022015). Collection method: clinical testing. Allele origin: germline.
Comment: This sequence change replaces arginine, which is basic and polar, with histidine, which is basic and polar, at codon 1003 of the ITGAM protein (p.Arg1003His). This variant is present in population databases (rs369576245, gnomAD 0.0009%). This variant has not been reported in the literature in individuals affected with ITGAM-related conditions. ClinVar contains an entry for this variant (Variation ID: 1918632). An algorithm developed to predict the effect of missense changes on protein structure and function (PolyPhen-2) suggests that this variant is likely to be tolerated. In summary, the available evidence is currently insufficient to determine the role of this variant in disease. Therefore, it has been classified as a Variant of Uncertain Significance.

Ambry Genetics
Classification: Uncertain significance. Last evaluated: 2023-03-24. Review status: criteria provided, single submitter. Criteria: Ambry Variant Classification Scheme 2023. Collection method: clinical testing. Allele origin: germline.

NM_000632.4(ITGAM):c.3008G>A (p.Arg1003His)

Gene: ITGAM (integrin subunit alpha M; plus strand). Cytogenetic location: 16p11.2.
Variant type: single nucleotide variant.
Coding change: c.3008G>A on transcript NM_000632.4 (MANE Select); coding-DNA position 3008, G replaced by A.
Protein change: p.Arg1003His; replaces arginine 1003 with histidine.
Molecular consequence: missense variant.
Genome position (GRCh38, 1-based): chr16:31,330,112, G>A. VCF-style: chr16-31330112-G-A. GRCh37 (hg19) VCF-style: chr16-31341433-G-A.
Other names: c.3011G>A, p.Arg1004His (NM_001145808.2); c.3008G>A (NM_000632.3); short protein forms R1003H, R1004H.
Identifiers: ClinVar variation 1918632 (VCV001918632.7), dbSNP rs369576245, ClinGen allele CA8026043.